The following is an entry in ClinVar:

NM_003482.4(KMT2D):c.3855G>A (p.Glu1285=)

Genes: KMT2D (lysine methyltransferase 2D; minus strand), LOC126861520 (CDK7 strongly-dependent group 2 enhancer GRCh37_chr12:49442744-49443943; plus strand). Cytogenetic location: 12q13.12.
Variant type: single nucleotide variant.
Coding change: c.3855G>A on transcript NM_003482.4 (MANE Select); coding-DNA position 3855, G replaced by A.
Protein change: p.Glu1285=; no amino-acid change (glutamic acid 1285 retained).
Molecular consequence: synonymous variant.
Genome position (GRCh38, 1-based): chr12:49,049,733, C>T on the plus strand (G>A on the coding strand, the complement: KMT2D is on the minus strand). VCF-style: chr12-49049733-C-T. GRCh37 (hg19) VCF-style: chr12-49443516-C-T.
Identifiers: ClinVar variation 733820 (VCV000733820.6), dbSNP rs1323915717, ClinGen allele CA479514736.

ClinVar aggregate classification (germline): Likely benign. Review status: criteria provided, multiple submitters, no conflicts (2 of 4 stars). 2 submissions from 2 submitters: Likely benign (2). Last evaluated 2025-10-09.

Conditions:
KMT2D-related disorder. Also called: KMT2D-Related Disorders.
Kabuki syndrome. Also called: Kabuki make-up syndrome; NIIKAWA-KUROKI SYNDROME. Identifiers: Orphanet 2322, MedGen C0796004, MONDO:0016512.

gnomAD v4.1: 2 of 1,605,622 alleles (0.00012%); highest among the groups gnomAD compares: East Asian, 0.0045%; no homozygotes.

Submissions (2):

PreventionGenetics, part of Exact Sciences
Classification: Likely benign for KMT2D-related condition. Last evaluated: 2025-10-09. Review status: criteria provided, single submitter. Criteria: ACMG Guidelines, 2015. Collection method: clinical testing. Allele origin: germline.
Comment: This variant is classified as likely benign based on ACMG/AMP sequence variant interpretation guidelines (Richards et al. 2015 PMID: 25741868, with internal and published modifications).

Labcorp Genetics (formerly Invitae), Labcorp
Classification: Likely benign for Kabuki syndrome. Last evaluated: 2024-12-07. Review status: criteria provided, single submitter. Criteria: Invitae Variant Classification Sherloc (09022015). Collection method: clinical testing. Allele origin: germline.